The following is an entry in ClinVar:

ClinVar aggregate classification (germline): Pathogenic (1 of 4 stars; one submission).

Conditions:
Ellis-van Creveld syndrome (EVC). Also called: Chondroectodermal dysplasia; MESOECTODERMAL DYSPLASIA; EVC-Related Ellis-van Creveld Syndrome; EVC2-Related Ellis-van Creveld Syndrome. Identifiers: Orphanet 289, MedGen C0013903, MONDO:0009162, OMIM 225500.
Curry-Hall syndrome (WAD). Also called: WEYERS ACRODENTAL DYSOSTOSIS. Identifiers: Orphanet 952, MedGen C0457013, MONDO:0008673, OMIM 193530.

Submission:

Labcorp Genetics (formerly Invitae), Labcorp
Classification: Pathogenic for Curry-Hall syndrome; Ellis-van Creveld syndrome. Last evaluated: 2022-08-16. Review status: criteria provided, single submitter. Criteria: Invitae Variant Classification Sherloc (09022015). Collection method: clinical testing. Allele origin: germline.
Comment: For these reasons, this variant has been classified as Pathogenic. This sequence change creates a premature translational stop signal (p.Leu510*) in the EVC2 gene. It is expected to result in an absent or disrupted protein product. Loss-of-function variants in EVC2 are known to be pathogenic (PMID: 17024374, 19810119, 19876929). This variant is not present in population databases (gnomAD no frequency). This variant has not been reported in the literature in individuals affected with EVC2-related conditions. ClinVar contains an entry for this variant (Variation ID: 1460325).

Literature cited by the submitters: PubMed 17024374; PubMed 19810119; PubMed 19876929.

NM_147127.5(EVC2):c.1529T>A (p.Leu510Ter)

Gene: EVC2 (EvC ciliary complex subunit 2; minus strand). Cytogenetic location: 4p16.2.
Variant type: single nucleotide variant.
Coding change: c.1529T>A on transcript NM_147127.5 (MANE Select); coding-DNA position 1529, T replaced by A.
Protein change: p.Leu510Ter; replaces leucine 510 with a stop codon.
Molecular consequence: nonsense.
Genome position (GRCh38, 1-based): chr4:5,631,974, A>T on the plus strand (T>A on the coding strand, the complement: EVC2 is on the minus strand). VCF-style: chr4-5631974-A-T. GRCh37 (hg19) VCF-style: chr4-5633701-A-T.
Other names: c.1289T>A, p.Leu430Ter (NM_001166136.2); short protein forms L430*, L510*.
Identifiers: ClinVar variation 1460325 (VCV001460325.7), dbSNP rs2108851695, ClinGen allele CA356149425.